The following is an entry in ClinVar:

NM_000270.4(PNP):c.563A>G (p.Gln188Arg)

Gene: PNP (purine nucleoside phosphorylase; plus strand). Cytogenetic location: 14q11.2.
Variant type: single nucleotide variant.
Coding change: c.563A>G on transcript NM_000270.4 (MANE Select); coding-DNA position 563, A replaced by G.
Protein change: p.Gln188Arg; replaces glutamine 188 with arginine.
Molecular consequence: missense variant.
Genome position (GRCh38, 1-based): chr14:20,475,163, A>G. VCF-style: chr14-20475163-A-G. GRCh37 (hg19) VCF-style: chr14-20943322-A-G.
Other names: short protein forms Q188R.
Identifiers: ClinVar variation 934293 (VCV000934293.7), dbSNP rs975142162, ClinGen allele CA257418282.

ClinVar aggregate classification (germline): Uncertain significance (1 of 4 stars; one submission).

Conditions:
Purine-nucleoside phosphorylase deficiency. Also called: Immunodeficiency due to purine nucleoside phosphorylase deficiency; NUCLEOSIDE PHOSPHORYLASE DEFICIENCY. Identifiers: Orphanet 760, MedGen C0268125, MONDO:0013171, OMIM 613179.

Allele frequency attached by ClinVar (database versions not stated): gnomAD 0.00001; gnomAD exomes below 0.00001; TOPMed below 0.00001.

Submission:

Labcorp Genetics (formerly Invitae), Labcorp
Classification: Uncertain significance for Purine-nucleoside phosphorylase deficiency. Last evaluated: 2023-10-13. Review status: criteria provided, single submitter. Criteria: Invitae Variant Classification Sherloc (09022015). Collection method: clinical testing. Allele origin: germline.
Comment: This sequence change replaces glutamine, which is neutral and polar, with arginine, which is basic and polar, at codon 188 of the PNP protein (p.Gln188Arg). This variant is not present in population databases (gnomAD no frequency). This variant has not been reported in the literature in individuals affected with PNP-related conditions. ClinVar contains an entry for this variant (Variation ID: 934293). Advanced modeling of protein sequence and biophysical properties (such as structural, functional, and spatial information, amino acid conservation, physicochemical variation, residue mobility, and thermodynamic stability) performed at Invitae indicates that this missense variant is not expected to disrupt PNP protein function. In summary, the available evidence is currently insufficient to determine the role of this variant in disease. Therefore, it has been classified as a Variant of Uncertain Significance.